The following is an entry in ClinVar:

ClinVar aggregate classification (germline): Likely pathogenic (1 of 4 stars; one submission).

Submission:

Labcorp Genetics (formerly Invitae), Labcorp
Classification: Likely pathogenic. Last evaluated: 2025-03-20. Review status: criteria provided, single submitter. Criteria: Invitae Variant Classification Sherloc (09022015). Collection method: clinical testing. Allele origin: germline.
Comment: This sequence change replaces glycine, which is neutral and non-polar, with glutamic acid, which is acidic and polar, at codon 852 of the COL2A1 protein (p.Gly852Glu). This variant is not present in population databases (gnomAD no frequency). This variant has not been reported in the literature in individuals affected with COL2A1-related conditions. Invitae Evidence Modeling of protein sequence and biophysical properties (such as structural, functional, and spatial information, amino acid conservation, physicochemical variation, residue mobility, and thermodynamic stability) indicates that this missense variant is expected to disrupt COL2A1 protein function with a positive predictive value of 95%. This variant disrupts the triple helix domain of COL2A1. Glycine residues within the Gly-Xaa-Yaa repeats of the triple helix domain are required for the structure and stability of fibrillar collagens (PMID: 7695699, 8218237, 19344236). In COL2A1, variants affecting these glycine residues are significantly enriched in individuals with disease (PMID: 9016532, 17078022) compared to the general population (ExAC). In summary, the currently available evidence indicates that the variant is pathogenic, but additional data are needed to prove that conclusively. Therefore, this variant has been classified as Likely Pathogenic.

Literature cited by the submitters: PubMed 7695699; PubMed 8218237; PubMed 19344236; PubMed 9016532; PubMed 17078022.

NM_001844.5(COL2A1):c.2555G>A (p.Gly852Glu)

Gene: COL2A1 (collagen type II alpha 1 chain; minus strand). Cytogenetic location: 12q13.11.
Variant type: single nucleotide variant.
Coding change: c.2555G>A on transcript NM_001844.5 (MANE Select); coding-DNA position 2555, G replaced by A.
Protein change: p.Gly852Glu; replaces glycine 852 with glutamic acid.
Molecular consequence: missense variant.
Genome position (GRCh38, 1-based): chr12:47,980,624, C>T on the plus strand (G>A on the coding strand, the complement: COL2A1 is on the minus strand). VCF-style: chr12-47980624-C-T. GRCh37 (hg19) VCF-style: chr12-48374407-C-T.
Other names: c.2348G>A, p.Gly783Glu (NM_033150.3); short protein forms G783E, G852E.
Identifiers: ClinVar variation 4747060 (VCV004747060.1).
Genomic context (GRCh38, chr12:47,980,624, plus strand): 5'-GGTGCTCCAGAGGGGCCCTGAGGACCAGGGGCACCAGCATCGCCTTTCTGGCCGGCCTCT[C>T]CTTGCTCACCCTTGGCCCCAGGCTGGCCATCAGCACCCTATAATGGGAAGGAGGAAGCAG-3'
Protein context (NP_001835.3, residues 842-862): DGQPGAKGEQ[Gly852Glu]EAGQKGDAGA